The following is an entry in ClinVar:

NM_152564.5(VPS13B):c.7678G>A (p.Glu2560Lys)

Gene: VPS13B (vacuolar protein sorting 13 homolog B; plus strand). Cytogenetic location: 8q22.2.
Variant type: single nucleotide variant.
Coding change: c.7678G>A on transcript NM_152564.5 (MANE Select); coding-DNA position 7678, G replaced by A.
Protein change: p.Glu2560Lys; replaces glutamic acid 2560 with lysine.
Molecular consequence: missense variant.
Genome position (GRCh38, 1-based): chr8:99,778,930, G>A. VCF-style: chr8-99778930-G-A. GRCh37 (hg19) VCF-style: chr8-100791158-G-A.
Other names: c.7753G>A, p.Glu2585Lys (NM_017890.5); short protein forms E2560K.
Identifiers: ClinVar variation 95867 (VCV000095867.72), dbSNP rs111751379, ClinGen allele CA148974.

ClinVar aggregate classification (germline): Benign/Likely benign. Review status: criteria provided, multiple submitters, no conflicts (2 of 4 stars). 21 submissions from 21 submitters: Benign (5); Likely benign (12). 4 of the submissions do not count toward it. Last evaluated 2026-09-01.

Conditions:
Inborn genetic diseases. Identifiers: MedGen C0950123, MeSH D030342.
Retinitis pigmentosa (RP). Identifiers: Orphanet 791, MedGen C0035334, MeSH D012174, MONDO:0019200, OMIM 268000. Inheritance: Autosomal dominant, autosomal recessive and X linked inheritance.
Cohen syndrome (COH1). Also called: PEPPER SYNDROME; Cutis verticis gyrata, retinitis pigmentosa, and sensorineural deafness. Identifiers: Orphanet 193, MedGen C0265223, MONDO:0008999, OMIM 216550.

Allele frequency attached by ClinVar (database versions not stated): 1000 Genomes Project 30x 0.00156; gnomAD 0.00298 and 0.00304; TOPMed 0.00372; gnomAD exomes 0.00466 and 0.00326; 1000 Genomes Project 0.00160; ExAC 0.00323; ESP Exome Variant Server 0.00346.
gnomAD v4.1: 7,253 of 1,613,934 alleles (0.45%); highest among the groups gnomAD compares: Non-Finnish European, 0.55%; 27 homozygotes.

Submissions (21):

CeGaT Center for Human Genetics Tuebingen
Classification: Likely benign. Last evaluated: 2026-09-01. Review status: criteria provided, single submitter. Criteria: CeGaT Center For Human Genetics Tuebingen Variant Classification Criteria Version 2. Collection method: clinical testing. Allele origin: germline. Affected: yes. Observed: 43 variant alleles.
Comment: VPS13B: BP4, BS2

Labcorp Genetics (formerly Invitae), Labcorp
Classification: Benign for Cohen syndrome. Last evaluated: 2026-02-04. Review status: criteria provided, single submitter. Criteria: Invitae Variant Classification Sherloc (09022015). Collection method: clinical testing. Allele origin: germline.

Blueprint Genetics
Classification: Likely benign. Last evaluated: 2024-11-27. Review status: criteria provided, single submitter. Criteria: ACMG Guidelines, 2015. Collection method: clinical testing. Allele origin: germline.

Laboratory for Molecular Medicine, Mass General Brigham Personalized Medicine
Classification: Likely benign. Last evaluated: 2023-12-28. Review status: criteria provided, single submitter. Criteria: ACMG Guidelines, 2015. Collection method: clinical testing. Allele origin: germline.
Comment: The p.Glu2585Lys variant in VPS13B is classified as likely benign because it has been identified in 0.5% (341/68030) of European chromosomes by gnomAD including 4 homozygotes (v.3.1.2), which is higher than the expected frequency of a disease cuasing variant in this gene. In addition, computational prediction tools predict that this variant does not impact the protein. ACMG/AMP Criteria applied: BS1, BP4.

Molecular Genetics Laboratory, Institute for Ophthalmic Research
Classification: Benign for Retinitis pigmentosa. Last evaluated: 2023-12-12. Review status: criteria provided, single submitter. Criteria: ACMG Guidelines, 2015. Collection method: research. Allele origin: germline. Inheritance: Autosomal recessive inheritance. Affected: yes.

Center for Genomics, Ann and Robert H. Lurie Children's Hospital of Chicago
Classification: Benign for Cohen syndrome. Last evaluated: 2023-12-04. Review status: criteria provided, single submitter. Criteria: ACMG Guidelines, 2015. Collection method: clinical testing. Allele origin: germline.

Molecular Genetics, Royal Melbourne Hospital
Classification: Likely benign for Cohen syndrome. Last evaluated: 2023-05-04. Review status: criteria provided, single submitter. Criteria: ACMG Guidelines, 2015. Collection method: clinical testing. Allele origin: germline. Affected: no.
Comment: European Non-Finnish population allele frequency is 0.5105% (rs111751379, 680/128770 alleles, 3 homozygotes in gnomAD v2.1). Based on the classification scheme RMH Modified ACMG/AMP Guidelines v1.5.1, this variant is classified as LIKELY BENIGN. Following criteria are met: BS1

Women's Health and Genetics/Laboratory Corporation of America, LabCorp
Classification: Benign. Last evaluated: 2023-02-14. Review status: criteria provided, single submitter. Criteria: LabCorp Variant Classification Summary - May 2015. Collection method: clinical testing. Allele origin: germline.
Comment: Variant summary: VPS13B c.7753G>A (p.Glu2585Lys) results in a conservative amino acid change in the encoded protein sequence. Four of five in-silico tools predict a benign effect of the variant on protein function. The variant allele was found at a frequency of 0.0033 in 250916 control chromosomes in the gnomAD database, including 3 homozygotes. The observed variant frequency is higher than the estimated maximal expected allele frequency for a pathogenic variant in VPS13B causing Cohen Syndrome phenotype (0.0025), strongly suggesting that the variant is benign. Eleven clinical diagnostic laboratories have submitted clinical-significance assessments for this variant to ClinVar after 2014 without evidence for independent evaluation. Multiple laboratories reported the variant with conflicting assessments (pathogenic n=1, VUS n=1, benign/likely benign n=9). Based on the evidence outlined above, the variant was classified as benign.

Genome-Nilou Lab
Classification: Likely benign for Cohen syndrome. Last evaluated: 2021-05-18. Review status: criteria provided, single submitter. Criteria: ACMG Guidelines, 2015. Collection method: clinical testing. Allele origin: germline. Affected: no.

Ambry Genetics
Classification: Likely benign for Inborn genetic diseases. Last evaluated: 2019-05-06. Review status: criteria provided, single submitter. Criteria: Ambry Variant Classification Scheme 2023. Collection method: clinical testing. Allele origin: germline.

Illumina Laboratory Services, Illumina
Classification: Likely benign for Cohen syndrome. Last evaluated: 2018-01-12. Review status: criteria provided, single submitter. Criteria: ICSL Variant Classification Criteria 13 December 2019. Collection method: clinical testing. Allele origin: germline.
Comment: This variant was observed in the ICSL laboratory as part of a predisposition screen in an ostensibly healthy population. It had not been previously curated by ICSL or reported in the Human Gene Mutation Database (HGMD: prior to June 1st, 2018), and was therefore a candidate for classification through an automated scoring system. Utilizing variant allele frequency, disease prevalence and penetrance estimates, and inheritance mode, an automated score was calculated to assess if this variant is too frequent to cause the disease. Based on the score and internal cut-off values, a variant classified as likely benign is not then subjected to further curation. The score for this variant resulted in a classification of likely benign for this disease.

Athena Diagnostics
Classification: Likely benign. Last evaluated: 2017-12-11. Review status: criteria provided, single submitter. Criteria: Athena Diagnostics Criteria. Collection method: clinical testing. Allele origin: germline.

Center for Pediatric Genomic Medicine, Children's Mercy Hospital and Clinics
Classification: Likely benign. Last evaluated: 2017-03-17. Review status: criteria provided, single submitter. Criteria: ACMG Guidelines, 2015. Collection method: clinical testing. Allele origin: germline.

Genetic Services Laboratory, University of Chicago
Classification: Likely benign. Last evaluated: 2016-12-09. Review status: criteria provided, single submitter. Criteria: ACMG Guidelines, 2015. Collection method: clinical testing. Allele origin: germline. Affected: no.

GeneDx
Classification: Likely benign. Last evaluated: 2016-05-11. Review status: criteria provided, single submitter. Criteria: GeneDx Variant Classification (06012015). Collection method: clinical testing. Allele origin: germline. Affected: yes.
Comment: This variant is considered likely benign or benign based on one or more of the following criteria: it is a conservative change, it occurs at a poorly conserved position in the protein, it is predicted to be benign by multiple in silico algorithms, and/or has population frequency not consistent with disease.

Eurofins Ntd Llc (ga)
Classification: Benign. Last evaluated: 2012-10-11. Review status: criteria provided, single submitter. Criteria: EGL Classification Definitions 2015. Collection method: clinical testing. Allele origin: germline. Observed: 1 variant allele, 1 heterozygote.

PreventionGenetics, part of Exact Sciences
Classification: Likely benign. Review status: criteria provided, single submitter. Criteria: ACMG Guidelines, 2015. Collection method: clinical testing. Allele origin: germline.

Natera, Inc.
Classification: Benign for Cohen syndrome. Last evaluated: 2019-12-20. Review status: no assertion criteria provided. Collection method: clinical testing. Allele origin: germline. Not counted in ClinVar's aggregate classification.

Clinical Genetics, Academic Medical Center
Classification: Likely benign. Review status: no assertion criteria provided. Collection method: clinical testing. Allele origin: germline. Affected: yes. Study: VKGL Data-share Consensus. Not counted in ClinVar's aggregate classification.

Genome Diagnostics Laboratory, University Medical Center Utrecht
Classification: Likely benign. Review status: no assertion criteria provided. Collection method: clinical testing. Allele origin: germline. Affected: yes. Study: VKGL Data-share Consensus. Not counted in ClinVar's aggregate classification.

Laboratory of Diagnostic Genome Analysis, Leiden University Medical Center (LUMC)
Classification: Likely benign. Review status: no assertion criteria provided. Collection method: clinical testing. Allele origin: germline. Affected: yes. Study: VKGL Data-share Consensus. Not counted in ClinVar's aggregate classification.